The following is an entry in ClinVar:

ClinVar aggregate classification (germline): Uncertain significance (1 of 4 stars; one submission).

Conditions:
Leukocyte adhesion deficiency 1 (LAD1). Also called: LEUKOCYTE ADHESION DEFICIENCY, TYPE I; LAD 1; Lymphocyte function-associated antigen 1 immunodeficiency; LFA 1 immunodeficiency. Identifiers: Orphanet 2968, Orphanet 99842, MedGen C0398738, MONDO:0007293, OMIM 116920.

Allele frequency attached by ClinVar (database versions not stated): gnomAD exomes 0.00001; ExAC 0.00002; TOPMed 0.00002; gnomAD 0.00003 and 0.00004.
gnomAD v4.1: 14 of 1,613,952 alleles (0.00087%); highest among the groups gnomAD compares: African/African-American, 0.004%; no homozygotes.

Submission:

Labcorp Genetics (formerly Invitae), Labcorp
Classification: Uncertain significance for Leukocyte adhesion deficiency 1. Last evaluated: 2022-02-05. Review status: criteria provided, single submitter. Criteria: Invitae Variant Classification Sherloc (09022015). Collection method: clinical testing. Allele origin: germline.
Comment: This sequence change replaces arginine, which is basic and polar, with cysteine, which is neutral and slightly polar, at codon 165 of the ITGB2 protein (p.Arg165Cys). This variant is present in population databases (rs759935924, gnomAD 0.01%). This variant has not been reported in the literature in individuals affected with ITGB2-related conditions. Algorithms developed to predict the effect of missense changes on protein structure and function (SIFT, PolyPhen-2, Align-GVGD) all suggest that this variant is likely to be disruptive. In summary, the available evidence is currently insufficient to determine the role of this variant in disease. Therefore, it has been classified as a Variant of Uncertain Significance.

NM_000211.5(ITGB2):c.493C>T (p.Arg165Cys)

Gene: ITGB2 (integrin subunit beta 2; minus strand). Cytogenetic location: 21q22.3.
Variant type: single nucleotide variant.
Coding change: c.493C>T on transcript NM_000211.5 (MANE Select); coding-DNA position 493, C replaced by T.
Protein change: p.Arg165Cys; replaces arginine 165 with cysteine.
Molecular consequence: missense variant.
Genome position (GRCh38, 1-based): chr21:44,903,371, G>A on the plus strand (C>T on the coding strand, the complement: ITGB2 is on the minus strand). VCF-style: chr21-44903371-G-A. GRCh37 (hg19) VCF-style: chr21-46323286-G-A.
Other names: c.493C>T, p.Arg165Cys (NM_001127491.3); c.286C>T, p.Arg96Cys (NM_001303238.2); short protein forms R165C, R96C.
Identifiers: ClinVar variation 1418627 (VCV001418627.5), dbSNP rs759935924, ClinGen allele CA10063206.